The following is an entry in ClinVar:

NM_005534.4(IFNGR2):c.451G>A (p.Gly151Arg)

Gene: IFNGR2 (interferon gamma receptor 2; plus strand). Cytogenetic location: 21q22.11.
Variant type: single nucleotide variant.
Coding change: c.451G>A on transcript NM_005534.4 (MANE Select); coding-DNA position 451, G replaced by A.
Protein change: p.Gly151Arg; replaces glycine 151 with arginine.
Molecular consequence: missense variant.
Genome position (GRCh38, 1-based): chr21:33,426,922, G>A. VCF-style: chr21-33426922-G-A. GRCh37 (hg19) VCF-style: chr21-34799229-G-A.
Other names: c.508G>A, p.Gly170Arg (NM_001329128.2); c.451G>A (NM_005534.3); short protein forms G151R, G170R.
Identifiers: ClinVar variation 1008942 (VCV001008942.9), dbSNP rs902362680, ClinGen allele CA320145648.

ClinVar aggregate classification (germline): Uncertain significance. Review status: criteria provided, multiple submitters, no conflicts (2 of 4 stars). 2 submissions from 2 submitters: Uncertain significance (2). Last evaluated 2023-12-11.

Conditions:
Inborn genetic diseases. Identifiers: MedGen C0950123, MeSH D030342.
Immunodeficiency 28 (IMD28). Also called: IFNGR2 DEFICIENCY. Identifiers: Orphanet 319547, Orphanet 319574, MedGen C4013947, MONDO:0013953, OMIM 614889.

Allele frequency attached by ClinVar (database versions not stated): gnomAD exomes 0.00002 and 0.00009; gnomAD 0.00004 and 0.00005; TOPMed 0.00005.
gnomAD v4.1: 142 of 1,613,630 alleles (0.0088%); highest among the groups gnomAD compares: Non-Finnish European, 0.011%; no homozygotes.

Submissions (2):

Labcorp Genetics (formerly Invitae), Labcorp
Classification: Uncertain significance for Immunodeficiency 28. Last evaluated: 2023-12-11. Review status: criteria provided, single submitter. Criteria: Invitae Variant Classification Sherloc (09022015). Collection method: clinical testing. Allele origin: germline.
Comment: This sequence change replaces glycine, which is neutral and non-polar, with arginine, which is basic and polar, at codon 151 of the IFNGR2 protein (p.Gly151Arg). This variant is present in population databases (no rsID available, gnomAD 0.003%). This variant has not been reported in the literature in individuals affected with IFNGR2-related conditions. ClinVar contains an entry for this variant (Variation ID: 1008942). Advanced modeling of protein sequence and biophysical properties (such as structural, functional, and spatial information, amino acid conservation, physicochemical variation, residue mobility, and thermodynamic stability) performed at Invitae indicates that this missense variant is not expected to disrupt IFNGR2 protein function with a negative predictive value of 80%. In summary, the available evidence is currently insufficient to determine the role of this variant in disease. Therefore, it has been classified as a Variant of Uncertain Significance.

Ambry Genetics
Classification: Uncertain significance for Inborn genetic diseases. Last evaluated: 2022-06-27. Review status: criteria provided, single submitter. Criteria: Ambry Variant Classification Scheme 2023. Collection method: clinical testing. Allele origin: germline.